The following is an entry in ClinVar:

NM_145207.3(AFG2A):c.1859A>G (p.Asp620Gly)

Gene: AFG2A (AAA ATPase AFG2A; plus strand). Cytogenetic location: 4q28.1.
Variant type: single nucleotide variant.
Coding change: c.1859A>G on transcript NM_145207.3 (MANE Select); coding-DNA position 1859, A replaced by G.
Protein change: p.Asp620Gly; replaces aspartic acid 620 with glycine.
Molecular consequence: missense variant.
Genome position (GRCh38, 1-based): chr4:122,979,376, A>G. VCF-style: chr4-122979376-A-G. GRCh37 (hg19) VCF-style: chr4-123900531-A-G.
Other names: c.1856A>G, p.Asp619Gly (NM_001317799.2, NM_001345856.2); short protein forms D620G, D619G.
Identifiers: ClinVar variation 970562 (VCV000970562.6), dbSNP rs1725532121, ClinGen allele CA358093774.
Genomic context (GRCh38, chr4:122,979,376, plus strand): 5'-AGGATTTCTTGCAGGCAATGAATGATATCAGACCCAGTGCCATGAGGGAAATAGCAATTG[A>G]TGTCCCAAATGTAAGTCATTTATGTCCCACACTAGCTACACTGTTTGAATTAAACTCTGA-3'
Protein context (NP_660208.2, residues 610-630): RPSAMREIAI[Asp620Gly]VPNVSWSDIG

ClinVar aggregate classification (germline): Uncertain significance (1 of 4 stars; one submission).

Conditions:
Microcephaly-intellectual disability-sensorineural hearing loss-epilepsy-abnormal muscle tone syndrome (NEDHSB). Also called: NEURODEVELOPMENTAL DISORDER WITH HEARING LOSS, SEIZURES, AND BRAIN ABNORMALITIES. Identifiers: Orphanet 457351, MedGen C4225276, MONDO:0014698, OMIM 616577.

Allele frequency attached by ClinVar (database versions not stated): gnomAD exomes below 0.00001.
gnomAD v4.1: 5 of 1,613,962 alleles (0.00031%); highest among the groups gnomAD compares: Non-Finnish European, 0.00042%; no homozygotes.

Submission:

Labcorp Genetics (formerly Invitae), Labcorp
Classification: Uncertain significance for Microcephaly-intellectual disability-sensorineural hearing loss-epilepsy-abnormal muscle tone syndrome. Last evaluated: 2019-10-02. Review status: criteria provided, single submitter. Criteria: Invitae Variant Classification Sherloc (09022015). Collection method: clinical testing. Allele origin: germline.
Comment: In summary, the available evidence is currently insufficient to determine the role of this variant in disease. Therefore, it has been classified as a Variant of Uncertain Significance. Algorithms developed to predict the effect of missense changes on protein structure and function (SIFT, PolyPhen-2, Align-GVGD) all suggest that this variant is likely to be disruptive, but these predictions have not been confirmed by published functional studies and their clinical significance is uncertain. This variant has not been reported in the literature in individuals with SPATA5-related conditions. This variant is not present in population databases (ExAC no frequency). This sequence change replaces aspartic acid with glycine at codon 620 of the SPATA5 protein (p.Asp620Gly). The aspartic acid residue is highly conserved and there is a moderate physicochemical difference between aspartic acid and glycine.